The following is an entry in ClinVar:

ClinVar aggregate classification (germline): Conflicting classifications of pathogenicity. Review status: criteria provided, conflicting classifications (1 of 4 stars). 5 submissions from 5 submitters: Uncertain significance (2); Likely benign (3). Last evaluated 2025-12-16.

Conditions:
Familial thoracic aortic aneurysm and aortic dissection (TAAD). Also called: Thoracic aortic aneurysms and dissections. Identifiers: Orphanet 91387, MedGen C4707243, MONDO:0019625.
Aortic aneurysm, familial thoracic 7 (AAT7). Also called: AORTIC DISSECTION, FAMILIAL, WITH OR WITHOUT AORTIC ANEURYSM. Identifiers: MedGen C3151077, MONDO:0013418, OMIM 613780.

Allele frequency attached by ClinVar (database versions not stated): gnomAD 0.00001 and 0.00008; TOPMed 0.00003; gnomAD exomes 0.00009 and 0.00014; ExAC 0.00012; 1000 Genomes Project 0.00040; 1000 Genomes Project 30x 0.00047.
gnomAD v4.1: 150 of 1,614,058 alleles (0.0093%); highest among the groups gnomAD compares: South Asian, 0.14%; 1 homozygote.

Submissions (5):

Labcorp Genetics (formerly Invitae), Labcorp
Classification: Likely benign for Aortic aneurysm, familial thoracic 7. Last evaluated: 2025-12-16. Review status: criteria provided, single submitter. Criteria: Invitae Variant Classification Sherloc (09022015). Collection method: clinical testing. Allele origin: germline.

Ambry Genetics
Classification: Likely benign for Familial thoracic aortic aneurysm and aortic dissection. Last evaluated: 2020-03-27. Review status: criteria provided, single submitter. Criteria: Ambry Variant Classification Scheme 2023. Collection method: clinical testing. Allele origin: germline.

GeneDx
Classification: Likely benign. Last evaluated: 2018-05-09. Review status: criteria provided, single submitter. Criteria: GeneDx Variant Classification (06012015). Collection method: clinical testing. Allele origin: germline. Affected: yes.
Comment: This variant is considered likely benign or benign based on one or more of the following criteria: it is a conservative change, it occurs at a poorly conserved position in the protein, it is predicted to be benign by multiple in silico algorithms, and/or has population frequency not consistent with disease.

Illumina Laboratory Services, Illumina
Classification: Uncertain significance for Aortic aneurysm, familial thoracic 7. Last evaluated: 2018-01-13. Review status: criteria provided, single submitter. Criteria: ICSL Variant Classification Criteria 13 December 2019. Collection method: clinical testing. Allele origin: germline.

CHEO Genetics Diagnostic Laboratory, Children's Hospital of Eastern Ontario
Classification: Uncertain significance for Familial thoracic aortic aneurysm and aortic dissection. Last evaluated: 2016-04-18. Review status: criteria provided, single submitter. Criteria: ACMG Guidelines, 2015. Collection method: clinical testing. Allele origin: germline. Study: Canadian Open Genetics Repository.

NM_053025.4(MYLK):c.1630C>T (p.Arg544Trp)

Gene: MYLK (myosin light chain kinase; minus strand). Cytogenetic location: 3q21.1.
Variant type: single nucleotide variant.
Coding change: c.1630C>T on transcript NM_053025.4 (MANE Select); coding-DNA position 1630, C replaced by T.
Protein change: p.Arg544Trp; replaces arginine 544 with tryptophan.
Molecular consequence: missense variant.
Genome position (GRCh38, 1-based): chr3:123,725,965, G>A on the plus strand (C>T on the coding strand, the complement: MYLK is on the minus strand). VCF-style: chr3-123725965-G-A. GRCh37 (hg19) VCF-style: chr3-123444812-G-A.
Other names: c.1102C>T, p.Arg368Trp (NM_001321309.2); c.1423C>T, p.Arg475Trp (NM_053026.4, NM_053028.4); c.1630C>T, p.Arg544Trp (NM_053027.4); short protein forms R544W, R475W, R368W.
Identifiers: ClinVar variation 342896 (VCV000342896.20), dbSNP rs552998417, ClinGen allele CA067279.